The following is an entry in ClinVar:

ClinVar aggregate classification (germline): Uncertain significance (1 of 4 stars; one submission).

Submission:

Labcorp Genetics (formerly Invitae), Labcorp
Classification: Uncertain significance. Last evaluated: 2025-05-18. Review status: criteria provided, single submitter. Criteria: Invitae Variant Classification Sherloc (09022015). Collection method: clinical testing. Allele origin: germline.
Comment: This sequence change replaces glycine, which is neutral and non-polar, with aspartic acid, which is acidic and polar, at codon 145 of the RPL18 protein (p.Gly145Asp). This variant is not present in population databases (gnomAD no frequency). This variant has not been reported in the literature in individuals affected with RPL18-related conditions. An algorithm developed to predict the effect of missense changes on protein structure and function (PolyPhen-2) suggests that this variant is likely to be tolerated. In summary, the available evidence is currently insufficient to determine the role of this variant in disease. Therefore, it has been classified as a Variant of Uncertain Significance.

NM_000979.4(RPL18):c.434G>A (p.Gly145Asp)

Gene: RPL18 (ribosomal protein L18; minus strand). Cytogenetic location: 19q13.33.
Variant type: single nucleotide variant.
Coding change: c.434G>A on transcript NM_000979.4 (MANE Select); coding-DNA position 434, G replaced by A.
Protein change: p.Gly145Asp; replaces glycine 145 with aspartic acid.
Molecular consequence: missense variant. On other transcripts: non-coding transcript variant (1).
Genome position (GRCh38, 1-based): chr19:48,615,934, C>T on the plus strand (G>A on the coding strand, the complement: RPL18 is on the minus strand). VCF-style: chr19-48615934-C-T. GRCh37 (hg19) VCF-style: chr19-49119191-C-T.
Other names: c.347G>A, p.Gly116Asp (NM_001270490.2); short protein forms G145D, G116D.
Identifiers: ClinVar variation 4768188 (VCV004768188.1).